The following is an entry in ClinVar:

NM_020632.3(ATP6V0A4):c.2464G>A (p.Gly822Ser)

Gene: ATP6V0A4 (ATPase H+ transporting V0 subunit a4; minus strand). Cytogenetic location: 7q34.
Variant type: single nucleotide variant.
Coding change: c.2464G>A on transcript NM_020632.3 (MANE Select); coding-DNA position 2464, G replaced by A.
Protein change: p.Gly822Ser; replaces glycine 822 with serine.
Molecular consequence: missense variant.
Genome position (GRCh38, 1-based): chr7:138,706,683, C>T on the plus strand (G>A on the coding strand, the complement: ATP6V0A4 is on the minus strand). VCF-style: chr7-138706683-C-T. GRCh37 (hg19) VCF-style: chr7-138391428-C-T.
Other names: c.2464G>A, p.Gly822Ser (NM_130840.3, NM_130841.3); short protein forms G822S.
Identifiers: ClinVar variation 4854580 (VCV004854580.1).
Genomic context (GRCh38, chr7:138,706,683, plus strand): 5'-CCTACTCCTCGGCTGTGCCATCCAGGATGTGTTTAAAGGAGAATGGAGAAAACTTGTAAC[C>T]ATCCCCGACATAGAACTTGTTCTGGAACTCAACCCTGTTGTTGAGGGGAGGCCGTGGGGT-3'
Protein context (NP_065683.2, residues 812-832): EFQNKFYVGD[Gly822Ser]YKFSPFSFKH

ClinVar aggregate classification (germline): Uncertain significance (1 of 4 stars; one submission).

Conditions:
Renal tubular acidosis, distal, 3, with or without sensorineural hearing loss (DRTA3). Identifiers: MedGen C5399980, MONDO:0011268, OMIM 602722.

gnomAD v4.1: 1 of 1,613,874 alleles (0.000062%); highest among the groups gnomAD compares: South Asian, 0.0011%; no homozygotes.

Submission:

3billion
Classification: Uncertain significance for Renal tubular acidosis, distal, 3, with or without sensorineural hearing loss. Last evaluated: 2025-12-18. Review status: criteria provided, single submitter. Criteria: ACMG Guidelines, 2015. Collection method: clinical testing. Allele origin: germline. Affected: yes.
Comment: The variant is observed at an extremely low frequency in the gnomAD v4.1.0 dataset (total allele frequency: <0.001%). Predicted Consequence/Location: Missense variant. The majority of the known disease-causing variants of this gene are variants expected to result in premature termination of the protein. In silico tool predictions suggest damaging effect of the variant on gene or gene product [REVEL: 0.81 (>=0.6, sensitivity 0.68 and specificity 0.92); 3Cnet: 0.97 (> 0.75, sensitivity 0.96 and precision 0.92)]. The same nucleotide change resulting in the same amino acid change has been previously reported to be associated with ATP6V0A4-related disorder (PMID: 34159584). However, the evidence of pathogenicity is insufficient at this time. Therefore, this variant is classified as VUS according to the recommendation of ACMG/AMP guideline.

Literature cited by the submitters: PubMed 34159584.